The following is an entry in ClinVar:

ClinVar aggregate classification (germline): Uncertain significance. Review status: criteria provided, multiple submitters, no conflicts (2 of 4 stars). 2 submissions from 2 submitters: Uncertain significance (2). Last evaluated 2025-03-18.

Conditions:
Hypokalemic periodic paralysis, type 1. Also called: Hypokalemic Periodic Paralysis Type 1 (AD); HypoPP. Identifiers: Orphanet 681, MedGen C3714580, MONDO:0042979, OMIM 170400.
Malignant hyperthermia, susceptibility to, 5 (MHS5). Also called: CACNA1S-Related Malignant Hyperthermia Susceptibility. Identifiers: Orphanet 423, MedGen C1866077, MONDO:0011163, OMIM 601887.

Allele frequency attached by ClinVar (database versions not stated): gnomAD exomes below 0.00001; ESP Exome Variant Server 0.00008.
gnomAD v4.1: 6 of 1,614,170 alleles (0.00037%); highest among the groups gnomAD compares: Non-Finnish European, 0.00042%; no homozygotes.

Submissions (2):

GeneDx
Classification: Uncertain significance. Last evaluated: 2025-03-18. Review status: criteria provided, single submitter. Criteria: GeneDx Variant Classification Process June 2021. Collection method: clinical testing. Allele origin: germline. Affected: yes.
Comment: Not observed at significant frequency in large population cohorts (gnomAD); In silico analysis supports that this missense variant has a deleterious effect on protein structure/function; Has not been previously published as pathogenic or benign to our knowledge

Labcorp Genetics (formerly Invitae), Labcorp
Classification: Uncertain significance for Hypokalemic periodic paralysis, type 1; Malignant hyperthermia, susceptibility to, 5. Last evaluated: 2024-06-12. Review status: criteria provided, single submitter. Criteria: Invitae Variant Classification Sherloc (09022015). Collection method: clinical testing. Allele origin: germline.
Comment: This sequence change replaces leucine, which is neutral and non-polar, with phenylalanine, which is neutral and non-polar, at codon 444 of the CACNA1S protein (p.Leu444Phe). This variant is present in population databases (rs138735817, gnomAD 0.0009%). This variant has not been reported in the literature in individuals affected with CACNA1S-related conditions. ClinVar contains an entry for this variant (Variation ID: 850199). Advanced modeling of protein sequence and biophysical properties (such as structural, functional, and spatial information, amino acid conservation, physicochemical variation, residue mobility, and thermodynamic stability) performed at Invitae indicates that this missense variant is not expected to disrupt CACNA1S protein function with a negative predictive value of 80%. In summary, the available evidence is currently insufficient to determine the role of this variant in disease. Therefore, it has been classified as a Variant of Uncertain Significance.

NM_000069.3(CACNA1S):c.1330C>T (p.Leu444Phe)

Gene: CACNA1S (calcium voltage-gated channel subunit alpha1 S; minus strand). Cytogenetic location: 1q32.1.
Variant type: single nucleotide variant.
Coding change: c.1330C>T on transcript NM_000069.3 (MANE Select); coding-DNA position 1330, C replaced by T.
Protein change: p.Leu444Phe; replaces leucine 444 with phenylalanine.
Molecular consequence: missense variant.
Genome position (GRCh38, 1-based): chr1:201,083,225, G>A on the plus strand (C>T on the coding strand, the complement: CACNA1S is on the minus strand). VCF-style: chr1-201083225-G-A. GRCh37 (hg19) VCF-style: chr1-201052353-G-A.
Other names: short protein forms L444F.
Identifiers: ClinVar variation 850199 (VCV000850199.13), dbSNP rs138735817, ClinGen allele CA35987844.
Genomic context (GRCh38, chr1:201,083,225, plus strand): 5'-GCAAACGGGTCAGCCAGAGAGGCTGGTTGTGGTGCTCTGAGGCGATAGACAGGGTGTTGA[G>A]GGCAACGATGAGAATCACCAGCCAATAGAAGACCTTGGACTTCACGATGTCATGGCACTT-3'
Protein context (NP_000060.2, residues 434-454): FYWLVILIVA[Leu444Phe]NTLSIASEHH